The following is an entry in ClinVar:

ClinVar aggregate classification (germline): Uncertain significance (1 of 4 stars; one submission).

Conditions:
RYR1-related disorder. Also called: RYR1-related condition; RYR1-related disorders. Identifiers: MedGen CN239331.

Submission:

Labcorp Genetics (formerly Invitae), Labcorp
Classification: Uncertain significance for RYR1-related disorder. Last evaluated: 2025-03-16. Review status: criteria provided, single submitter. Criteria: Invitae Variant Classification Sherloc (09022015). Collection method: clinical testing. Allele origin: germline.
Comment: This variant, c.13213_13224dup, results in the insertion of 4 amino acid(s) of the RYR1 protein (p.Gly4405_Ala4408dup), but otherwise preserves the integrity of the reading frame. This variant is present in population databases (rs775571885, gnomAD 0.005%). This variant has not been reported in the literature in individuals affected with RYR1-related conditions. ClinVar contains an entry for this variant (Variation ID: 1419953). Experimental studies and prediction algorithms are not available or were not evaluated, and the functional significance of this variant is currently unknown. In summary, the available evidence is currently insufficient to determine the role of this variant in disease. Therefore, it has been classified as a Variant of Uncertain Significance.

NM_000540.3(RYR1):c.13213_13224dup (p.Gly4405_Ala4408dup)

Gene: RYR1 (ryanodine receptor 1; plus strand). Cytogenetic location: 19q13.2.
Variant type: Duplication.
Coding change: c.13213_13224dup on transcript NM_000540.3 (MANE Select); coding-DNA positions 13213 to 13224, 12 bases duplicated (GGCGAGGGTGCC).
Protein change: p.Gly4405_Ala4408dup.
Molecular consequence: inframe insertion.
Genome position (GRCh38, 1-based): chr19:38,565,547-38,565,558, GGCGAGGGTGCC duplicated; duplicating any 12 consecutive bases within chr19:38,565,546-38,565,558 gives the same sequence; the c. name uses the placement nearest the transcript's 3' end. VCF-style (leftmost placement, unchanged base first): chr19-38565545-A-ACGGCGAGGGTGC. GRCh37 (hg19) VCF-style: chr19-39056185-A-ACGGCGAGGGTGC.
Other names: c.13198_13209dup, p.Gly4400_Ala4403dup (NM_001042723.2).
Identifiers: ClinVar variation 1419953 (VCV001419953.6), dbSNP rs775571885, ClinGen allele CA059643.